The following is an entry in ClinVar:

ClinVar aggregate classification (germline): Benign/Likely benign. Review status: criteria provided, multiple submitters, no conflicts (2 of 4 stars). 9 submissions from 7 submitters: Benign (8); Likely benign (1). Last evaluated 2025-07-01.

Conditions:
von Willebrand disease type 2 (VWD2). Also called: VON WILLEBRAND DISEASE, TYPE II; VWD, TYPE 2; VON WILLEBRAND DISEASE, TYPE 2A/IIE; VON WILLEBRAND DISEASE, TYPE 2CB. Identifiers: Orphanet 166081, Orphanet 903, MedGen C1264040, MONDO:0013304, OMIM 613554.
von Willebrand disease type 1 (VWD1). Also called: VON WILLEBRAND DISEASE, TYPE I; VWD, TYPE 1. Identifiers: Orphanet 166078, Orphanet 903, MedGen C1264039, MONDO:0008668, OMIM 193400. Inheritance: autosomal recessive or autosomal dominant.
von Willebrand disease type 3 (VWD3). Also called: Type 3 Von Willebrand's disease; Type 3 VWD; Von Willebrand disease, severe form; V WD3; VON WILLEBRAND DISEASE, TYPE III. Identifiers: Orphanet 166096, MedGen C1264041, MONDO:0010191, OMIM 277480.

Allele frequency attached by ClinVar (database versions not stated): gnomAD exomes 0.00328 and 0.00905; ExAC 0.01099; gnomAD 0.03515 and 0.03767; TOPMed 0.03968; ESP Exome Variant Server 0.04037; 1000 Genomes Project 0.04413; 1000 Genomes Project 30x 0.04825.
gnomAD v4.1: 10,370 of 1,613,892 alleles (0.64%); highest among the groups gnomAD compares: African/African-American, 12%; 560 homozygotes.

Submissions (9):

ARUP Laboratories, Molecular Genetics and Genomics, ARUP Laboratories
Classification: Benign. Last evaluated: 2025-07-01. Review status: criteria provided, single submitter. Criteria: ARUP Molecular Germline Variant Investigation Process 2024. Collection method: clinical testing. Allele origin: germline.

Quest Diagnostics Nichols Institute San Juan Capistrano
Classification: Benign. Last evaluated: 2022-06-30. Review status: criteria provided, single submitter. Criteria: Quest Diagnostics criteria. Collection method: clinical testing. Allele origin: unknown.

Fulgent Genetics
Classification: Benign for von Willebrand disease type 1; von Willebrand disease type 3; von Willebrand disease type 2. Last evaluated: 2022-04-26. Review status: criteria provided, single submitter. Criteria: ACMG Guidelines, 2015. Collection method: clinical testing. Allele origin: unknown.

Mayo Clinic Laboratories, Mayo Clinic
Classification: Benign. Last evaluated: 2022-03-30. Review status: criteria provided, single submitter. Criteria: ACMG Guidelines, 2015. Collection method: clinical testing. Allele origin: germline. Observed: 16 variant alleles.
Comment: BA1, BS1, BS2, BP4, BP7

Genome-Nilou Lab
Classification: Benign for von Willebrand disease type 1. Last evaluated: 2021-12-05. Review status: criteria provided, single submitter. Criteria: ACMG Guidelines, 2015. Collection method: clinical testing. Allele origin: germline. Affected: no.

Genome-Nilou Lab
Classification: Benign for von Willebrand disease type 3. Last evaluated: 2021-12-05. Review status: criteria provided, single submitter. Criteria: ACMG Guidelines, 2015. Collection method: clinical testing. Allele origin: germline. Affected: no.

Genome-Nilou Lab
Classification: Benign for von Willebrand disease type 2. Last evaluated: 2021-12-05. Review status: criteria provided, single submitter. Criteria: ACMG Guidelines, 2015. Collection method: clinical testing. Allele origin: germline. Affected: no.

Breakthrough Genomics
Classification: Likely benign. Review status: criteria provided, single submitter. Criteria: ACMG Guidelines, 2015. Collection method: not provided. Allele origin: germline. Inheritance: Autosomal recessive inheritance. Affected: yes.

PreventionGenetics, part of Exact Sciences
Classification: Benign. Review status: criteria provided, single submitter. Criteria: ACMG Guidelines, 2015. Collection method: clinical testing. Allele origin: germline.

Literature cited by the submitters: PubMed 22102202 (cited by Quest Diagnostics Nichols Institute San Juan Capistrano).

NM_000552.5(VWF):c.3795G>A (p.Pro1265=)

Gene: VWF (von Willebrand factor; minus strand). Cytogenetic location: 12p13.31.
Variant type: single nucleotide variant.
Coding change: c.3795G>A on transcript NM_000552.5 (MANE Select); coding-DNA position 3795, G replaced by A.
Protein change: p.Pro1265=; no amino-acid change (proline 1265 retained).
Molecular consequence: synonymous variant.
Genome position (GRCh38, 1-based): chr12:6,019,623, C>T on the plus strand (G>A on the coding strand, the complement: VWF is on the minus strand). VCF-style: chr12-6019623-C-T. GRCh37 (hg19) VCF-style: chr12-6128789-C-T.
Other names: p.Pro1265=; c.3795G>A (NM_000552.4).
Identifiers: ClinVar variation 256675 (VCV000256675.20), dbSNP rs2228319, ClinGen allele CA6402667.